The following is an entry in ClinVar:

NM_002473.6(MYH9):c.2404C>T (p.Arg802Trp)

Gene: MYH9 (myosin heavy chain 9; minus strand). Cytogenetic location: 22q12.3.
Variant type: single nucleotide variant.
Coding change: c.2404C>T on transcript NM_002473.6 (MANE Select); coding-DNA position 2404, C replaced by T.
Protein change: p.Arg802Trp; replaces arginine 802 with tryptophan.
Molecular consequence: missense variant.
Genome position (GRCh38, 1-based): chr22:36,302,663, G>A on the plus strand (C>T on the coding strand, the complement: MYH9 is on the minus strand). VCF-style: chr22-36302663-G-A. GRCh37 (hg19) VCF-style: chr22-36698709-G-A.
Other names: p.Arg802Trp; short protein forms R802W.
Identifiers: ClinVar variation 2066179 (VCV002066179.6), dbSNP rs548123125, ClinGen allele CA10209965.

ClinVar aggregate classification (germline): Conflicting classifications of pathogenicity. Review status: criteria provided, conflicting classifications (1 of 4 stars). 3 submissions from 3 submitters: Uncertain significance (2); Likely benign (1). Last evaluated 2025-01-13.

Conditions:
MYH9-related disorder. Identifiers: MedGen C1854520.

Allele frequency attached by ClinVar (database versions not stated): 1000 Genomes Project 30x 0.00031; TOPMed 0.00001; 1000 Genomes Project 0.00040; gnomAD 0.00003.

Submissions (3):

Labcorp Genetics (formerly Invitae), Labcorp
Classification: Likely benign. Last evaluated: 2025-01-13. Review status: criteria provided, single submitter. Criteria: Invitae Variant Classification Sherloc (09022015). Collection method: clinical testing. Allele origin: germline.

Mayo Clinic Laboratories, Mayo Clinic
Classification: Uncertain significance. Last evaluated: 2024-07-10. Review status: criteria provided, single submitter. Criteria: ACMG Guidelines, 2015. Collection method: clinical testing. Allele origin: germline. Observed: 1 variant allele.
Comment: PP2, PM1

PreventionGenetics, part of Exact Sciences
Classification: Uncertain significance for MYH9-related condition. Last evaluated: 2022-12-20. Review status: criteria provided, single submitter. Criteria: ACMG Guidelines, 2015. Collection method: clinical testing. Allele origin: germline.
Comment: The MYH9 c.2404C>T variant is predicted to result in the amino acid substitution p.Arg802Trp. This variant is reported in 0.033% of alleles in individuals of East Asian descent in gnomAD. At this time, the clinical significance of this variant is uncertain due to the absence of conclusive functional and genetic evidence.

Literature cited by the submitters: PubMed 23967202 (cited by Mayo Clinic Laboratories, Mayo Clinic); PubMed 30712057 (cited by Mayo Clinic Laboratories, Mayo Clinic); PubMed 37647632 (cited by Mayo Clinic Laboratories, Mayo Clinic).